The following is an entry in ClinVar:

NM_000666.3(ACY1):c.921+21A>T

Genes: ABHD14A-ACY1 (ABHD14A-ACY1 readthrough; plus strand), ACY1 (aminoacylase 1; plus strand). Cytogenetic location: 3p21.2.
Variant type: single nucleotide variant.
Coding change: c.921+21A>T on transcript NM_000666.3 (MANE Select); 21 bases into the intron after coding-DNA position 921, A replaced by T.
Molecular consequence: intron variant.
Genome position (GRCh38, 1-based): chr3:51,987,645, A>T. VCF-style: chr3-51987645-A-T. GRCh37 (hg19) VCF-style: chr3-52021661-A-T.
Other names: c.1191+21A>T (NM_001316331.2); c.726+21A>T (NM_001198897.2); c.705+21A>T (NM_001198896.2); c.816+21A>T (NM_001198898.2); c.921+21A>T (NM_001198895.2).
Identifiers: ClinVar variation 1029932 (VCV001029932.1), dbSNP rs1701122828, ClinGen allele CA1364649339.

ClinVar aggregate classification (germline): Uncertain significance (1 of 4 stars; one submission).

Conditions:
Aminoacylase 1 deficiency. Also called: Neurological conditions associated with aminoacylase 1 deficiency. Identifiers: Orphanet 137754, MedGen C1835922, MONDO:0012368, OMIM 609924.

Allele frequency attached by ClinVar (database versions not stated): TOPMed below 0.00001.

Submission:

Baylor Genetics
Classification: Uncertain significance for Aminoacylase 1 deficiency. Last evaluated: 2019-11-22. Review status: criteria provided, single submitter. Criteria: ACMG Guidelines, 2015. Collection method: clinical testing. Allele origin: unknown. Affected: yes.
Comment: This variant was determined to be of uncertain significance according to ACMG Guidelines, 2015 [PMID:25741868].